The following is an entry in ClinVar:

ClinVar aggregate classification (germline): Likely benign. Review status: criteria provided, multiple submitters, no conflicts (2 of 4 stars). 7 submissions from 3 submitters: Likely benign (7). Last evaluated 2023-04-11.

Conditions:
Hereditary cryohydrocytosis with reduced stomatin. Also called: GLUT1 DEFICIENCY SYNDROME WITH PSEUDOHYPERKALEMIA AND HEMOLYSIS; Stomatin-deficient cryohydrocytosis with neurologic defects. Identifiers: Orphanet 168577, MedGen C1837206, MONDO:0012143, OMIM 608885.
Epilepsy, idiopathic generalized, susceptibility to, 12 (EIG12). Identifiers: MedGen C3553859, MONDO:0013919, OMIM 614847.
Dystonia 9 (DYT9). Also called: CHOREOATHETOSIS, KINESIGENIC, WITH EPISODIC ATAXIA AND SPASTICITY. Identifiers: Orphanet 53583, MedGen C1832855, MONDO:0010983, OMIM 601042.
Childhood onset GLUT1 deficiency syndrome 2. Also called: Paroxysmal exercise-induced dystonia; PAROXYSMAL EXERCISE-INDUCED DYSKINESIA WITH OR WITHOUT EPILEPSY AND/OR HEMOLYTIC ANEMIA; PAROXYSMAL EXERTION-INDUCED DYSTONIA WITH OR WITHOUT EPILEPSY AND/OR HEMOLYTIC ANEMIA; PED WITH OR WITHOUT EPILEPSY AND/OR HEMOLYTIC ANEMIA; PxMD-SLC2A1; Exertion-induced paroxysmal dyskinesia. Identifiers: Orphanet 98811, MedGen C1842534, MONDO:0012805, OMIM 612126.
GLUT1 deficiency syndrome 1, autosomal recessive. Identifiers: MedGen C3149117.
Encephalopathy due to GLUT1 deficiency. Also called: GLUCOSE TRANSPORT DEFECT, BLOOD-BRAIN BARRIER; De Vivo disease; GLUT1 deficiency syndrome 1; Classic Glucose Transporter Type 1 Deficiency Syndrome; GLUT1 deficiency syndrome 1, infantile onset, severe; Glucose transporter protein syndrome. Identifiers: Orphanet 71277, MedGen C4551966, MONDO:0011724, OMIM 606777.

Allele frequency attached by ClinVar (database versions not stated): ExAC 0.00001; gnomAD exomes 0.00001.
gnomAD v4.1: 10 of 1,614,146 alleles (0.00062%); highest among the groups gnomAD compares: East Asian, 0.022%; no homozygotes.

Submissions (7):

Genome-Nilou Lab
Classification: Likely benign for Epilepsy, idiopathic generalized, susceptibility to, 12. Last evaluated: 2023-04-11. Review status: criteria provided, single submitter. Criteria: ACMG Guidelines, 2015. Collection method: clinical testing. Allele origin: germline. Affected: no.

Genome-Nilou Lab
Classification: Likely benign for Dystonia 9. Last evaluated: 2023-04-11. Review status: criteria provided, single submitter. Criteria: ACMG Guidelines, 2015. Collection method: clinical testing. Allele origin: germline. Affected: no.

Genome-Nilou Lab
Classification: Likely benign for Encephalopathy due to GLUT1 deficiency. Last evaluated: 2023-04-11. Review status: criteria provided, single submitter. Criteria: ACMG Guidelines, 2015. Collection method: clinical testing. Allele origin: germline. Affected: no.

Genome-Nilou Lab
Classification: Likely benign for Childhood onset GLUT1 deficiency syndrome 2. Last evaluated: 2023-04-11. Review status: criteria provided, single submitter. Criteria: ACMG Guidelines, 2015. Collection method: clinical testing. Allele origin: germline. Affected: no.

Genome-Nilou Lab
Classification: Likely benign for Hereditary cryohydrocytosis with reduced stomatin. Last evaluated: 2023-04-11. Review status: criteria provided, single submitter. Criteria: ACMG Guidelines, 2015. Collection method: clinical testing. Allele origin: germline. Affected: no.

Labcorp Genetics (formerly Invitae), Labcorp
Classification: Likely benign for GLUT1 deficiency syndrome 1, autosomal recessive. Last evaluated: 2022-03-17. Review status: criteria provided, single submitter. Criteria: Invitae Variant Classification Sherloc (09022015). Collection method: clinical testing. Allele origin: germline.

GeneDx
Classification: Likely benign. Last evaluated: 2017-01-27. Review status: criteria provided, single submitter. Criteria: GeneDx Variant Classification (06012015). Collection method: clinical testing. Allele origin: germline. Affected: yes.
Comment: This variant is considered likely benign or benign based on one or more of the following criteria: it is a conservative change, it occurs at a poorly conserved position in the protein, it is predicted to be benign by multiple in silico algorithms, and/or has population frequency not consistent with disease.

NM_006516.4(SLC2A1):c.1152C>T (p.Gly384=)

Gene: SLC2A1 (solute carrier family 2 member 1; minus strand). Cytogenetic location: 1p34.2.
Variant type: single nucleotide variant.
Coding change: c.1152C>T on transcript NM_006516.4 (MANE Select); coding-DNA position 1152, C replaced by T.
Protein change: p.Gly384=; no amino-acid change (glycine 384 retained).
Molecular consequence: synonymous variant.
Genome position (GRCh38, 1-based): chr1:42,927,731, G>A on the plus strand (C>T on the coding strand, the complement: SLC2A1 is on the minus strand). VCF-style: chr1-42927731-G-A. GRCh37 (hg19) VCF-style: chr1-43393402-G-A.
Identifiers: ClinVar variation 507123 (VCV000507123.6), dbSNP rs750237005, ClinGen allele CA803333.
Genomic context (GRCh38, chr1:42,927,731, plus strand): 5'-AATGGCAGCTGGACGTGGACCCTGGCTGAAGAGTTCAGCCACGATGAACCATGGGATGGG[G>A]CCAGGACCCACTTCAAAGAAGGCCACAAAGCCAAAGATGGCCACGATGCTCAGATAGGAC-3'
Protein context (NP_006507.2, residues 374-394): GFVAFFEVGP[Gly384=]PIPWFIVAEL